The following is an entry in ClinVar:

NM_001042492.3(NF1):c.1941T>G (p.His647Gln)

Gene: NF1 (neurofibromin 1; plus strand). Cytogenetic location: 17q11.2.
Variant type: single nucleotide variant.
Coding change: c.1941T>G on transcript NM_001042492.3 (MANE Select); coding-DNA position 1941, T replaced by G.
Protein change: p.His647Gln; replaces histidine 647 with glutamine.
Molecular consequence: missense variant.
Genome position (GRCh38, 1-based): chr17:31,225,190, T>G. VCF-style: chr17-31225190-T-G. GRCh37 (hg19) VCF-style: chr17-29552208-T-G.
Other names: c.1941T>G, p.His647Gln (NM_000267.4); short protein forms H647Q.
Identifiers: ClinVar variation 1057097 (VCV001057097.5), dbSNP rs1397958327, ClinGen allele CA399005440.
Genomic context (GRCh38, chr17:31,225,190, plus strand): 5'-TTACGGGGTAGGATGTGATATTCCTTCTAGTGGAAATACCAGTCAAATGTCCATGGATCA[T>G]GAAGAATTACTACGTACTCCTGGAGCCTCTCTCCGGAAGGGAAAAGGGAACTCCTCTATG-3'
Protein context (NP_001035957.1, residues 637-657): SGNTSQMSMD[His647Gln]EELLRTPGAS

ClinVar aggregate classification (germline): Conflicting classifications of pathogenicity. Review status: criteria provided, conflicting classifications (1 of 4 stars). 2 submissions from 2 submitters: Uncertain significance (1); Likely benign (1). Last evaluated 2026-06-16.

Conditions:
Cardiovascular phenotype. Identifiers: MedGen CN230736.
Hereditary cancer-predisposing syndrome. Also called: Tumor predisposition; Hereditary Cancer Syndrome; Hereditary neoplastic syndrome; Neoplastic Syndromes, Hereditary. Identifiers: Orphanet 140162, MedGen C0027672, MeSH D009386, MONDO:0015356.
Neurofibromatosis, type 1 (NF1). Also called: VON RECKLINGHAUSEN DISEASE; Peripheral type neurofibromatosis; Neurofibromatosis, type I; NEUROFIBROMATOSIS, TYPE I, SOMATIC. Identifiers: Orphanet 636, MedGen C0027831, MONDO:0018975, OMIM 162200. Disease mechanism: loss of function.

Allele frequency attached by ClinVar (database versions not stated): gnomAD exomes below 0.00001; TOPMed below 0.00001.

Submissions (2):

Ambry Genetics
Classification: Likely benign for Cardiovascular phenotype; Hereditary cancer-predisposing syndrome. Last evaluated: 2026-06-16. Review status: criteria provided, single submitter. Criteria: Ambry Variant Classification Scheme 2023. Collection method: clinical testing. Allele origin: germline.

Labcorp Genetics (formerly Invitae), Labcorp
Classification: Uncertain significance for Neurofibromatosis, type 1. Last evaluated: 2025-08-07. Review status: criteria provided, single submitter. Criteria: Invitae Variant Classification Sherloc (09022015). Collection method: clinical testing. Allele origin: germline.
Comment: This sequence change replaces histidine, which is basic and polar, with glutamine, which is neutral and polar, at codon 647 of the NF1 protein (p.His647Gln). This variant is present in population databases (no rsID available, gnomAD 0.003%). This variant has not been reported in the literature in individuals affected with NF1-related conditions. ClinVar contains an entry for this variant (Variation ID: 1057097). Invitae Evidence Modeling of protein sequence and biophysical properties (such as structural, functional, and spatial information, amino acid conservation, physicochemical variation, residue mobility, and thermodynamic stability) indicates that this missense variant is not expected to disrupt NF1 protein function with a negative predictive value of 95%. In summary, the available evidence is currently insufficient to determine the role of this variant in disease. Therefore, it has been classified as a Variant of Uncertain Significance.